The following is an entry in ClinVar:

ClinVar aggregate classification (germline): Uncertain significance (1 of 4 stars; one submission).

Allele frequency attached by ClinVar (database versions not stated): gnomAD 0.00001.

Submission:

Labcorp Genetics (formerly Invitae), Labcorp
Classification: Uncertain significance. Last evaluated: 2022-07-19. Review status: criteria provided, single submitter. Criteria: Invitae Variant Classification Sherloc (09022015). Collection method: clinical testing. Allele origin: germline.
Comment: In summary, the available evidence is currently insufficient to determine the role of this variant in disease. Therefore, it has been classified as a Variant of Uncertain Significance. Variants that disrupt the consensus splice site are a relatively common cause of aberrant splicing (PMID: 17576681, 9536098). Algorithms developed to predict the effect of sequence changes on RNA splicing suggest that this variant is not likely to affect RNA splicing. This variant has not been reported in the literature in individuals affected with LONP1-related conditions. This variant is present in population databases (no rsID available, gnomAD 0.0009%). This sequence change falls in intron 11 of the LONP1 gene. It does not directly change the encoded amino acid sequence of the LONP1 protein. It affects a nucleotide within the consensus splice site.

Literature cited by the submitters: PubMed 17576681; PubMed 9536098.

NM_004793.4(LONP1):c.1773+3G>A

Gene: LONP1 (lon peptidase 1, mitochondrial; minus strand). Cytogenetic location: 19p13.3.
Variant type: single nucleotide variant.
Coding change: c.1773+3G>A on transcript NM_004793.4 (MANE Select); 3 bases into the intron after coding-DNA position 1773, G replaced by A.
Molecular consequence: intron variant.
Genome position (GRCh38, 1-based): chr19:5,696,667, C>T on the plus strand (G>A on the coding strand, the complement: LONP1 is on the minus strand). VCF-style: chr19-5696667-C-T. GRCh37 (hg19) VCF-style: chr19-5696678-C-T.
Other names: c.1185+3G>A (NM_001276480.1); c.1581+3G>A (NM_001276479.2).
Identifiers: ClinVar variation 2065750 (VCV002065750.4), dbSNP rs1390333337, ClinGen allele CA631718950.